The following is an entry in ClinVar:

NM_004560.4(ROR2):c.1716G>A (p.Ser572=)

Gene: ROR2 (receptor tyrosine kinase like orphan receptor 2; minus strand). Cytogenetic location: 9q22.31.
Variant type: single nucleotide variant.
Coding change: c.1716G>A on transcript NM_004560.4 (MANE Select); coding-DNA position 1716, G replaced by A.
Protein change: p.Ser572=; no amino-acid change (serine 572 retained).
Molecular consequence: synonymous variant.
Genome position (GRCh38, 1-based): chr9:91,724,778, C>T on the plus strand (G>A on the coding strand, the complement: ROR2 is on the minus strand). VCF-style: chr9-91724778-C-T. GRCh37 (hg19) VCF-style: chr9-94487060-C-T.
Identifiers: ClinVar variation 728288 (VCV000728288.12), dbSNP rs139654946, ClinGen allele CA5120598.

ClinVar aggregate classification (germline): Conflicting classifications of pathogenicity. Review status: criteria provided, conflicting classifications (1 of 4 stars). 3 submissions from 2 submitters: Uncertain significance (1); Likely benign (2). Last evaluated 2025-07-06.

Conditions:
Brachydactyly type B1 (BDB1). Identifiers: Orphanet 572385, Orphanet 93383, MedGen C1862112, MONDO:0007220, OMIM 113000.
Autosomal recessive Robinow syndrome (RRS1). Also called: ROR2-Related Robinow Syndrome; COSTOVERTEBRAL SEGMENTATION DEFECT WITH MESOMELIA; COVESDEM SYNDROME; ROBINOW SYNDROME, AUTOSOMAL RECESSIVE 1. Identifiers: Orphanet 1507, Orphanet 97360, MedGen C5399974, MONDO:0009999, OMIM 268310.

Allele frequency attached by ClinVar (database versions not stated): gnomAD exomes 0.00005 and 0.00016; ExAC 0.00012; ESP Exome Variant Server 0.00023; TOPMed 0.00043; gnomAD 0.00053 and 0.00056.
gnomAD v4.1: 154 of 1,612,136 alleles (0.0096%); highest among the groups gnomAD compares: Admixed American, 0.13%; no homozygotes.

Submissions (3):

Labcorp Genetics (formerly Invitae), Labcorp
Classification: Likely benign. Last evaluated: 2025-07-06. Review status: criteria provided, single submitter. Criteria: Invitae Variant Classification Sherloc (09022015). Collection method: clinical testing. Allele origin: germline.

Illumina Laboratory Services, Illumina
Classification: Likely benign for Brachydactyly type B1. Last evaluated: 2018-01-13. Review status: criteria provided, single submitter. Criteria: ICSL Variant Classification Criteria 13 December 2019. Collection method: clinical testing. Allele origin: germline.
Comment: This variant was observed in the ICSL laboratory as part of a predisposition screen in an ostensibly healthy population. It had not been previously curated by ICSL or reported in the Human Gene Mutation Database (HGMD: prior to June 1st, 2018), and was therefore a candidate for classification through an automated scoring system. Utilizing variant allele frequency, disease prevalence and penetrance estimates, and inheritance mode, an automated score was calculated to assess if this variant is too frequent to cause the disease. Based on the score and internal cut-off values, a variant classified as likely benign is not then subjected to further curation. The score for this variant resulted in a classification of likely benign for this disease.

Illumina Laboratory Services, Illumina
Classification: Uncertain significance for Autosomal recessive Robinow syndrome. Last evaluated: 2018-01-13. Review status: criteria provided, single submitter. Criteria: ICSL Variant Classification Criteria 13 December 2019. Collection method: clinical testing. Allele origin: germline.